The following is an entry in ClinVar:

ClinVar aggregate classification (germline): Benign/Likely benign. Review status: criteria provided, multiple submitters, no conflicts (2 of 4 stars). 3 submissions from 3 submitters: Benign (1); Likely benign (2). Last evaluated 2024-07-01.

Conditions:
Oligodontia-cancer predisposition syndrome. Also called: TOOTH AGENESIS-COLORECTAL CANCER SYNDROME. Identifiers: Orphanet 300576, MedGen C1837750, MONDO:0012075, OMIM 608615. Disease mechanism: loss of function.
Hereditary cancer-predisposing syndrome. Also called: Hereditary neoplastic syndrome; Neoplastic Syndromes, Hereditary; Tumor predisposition; Hereditary Cancer Syndrome. Identifiers: Orphanet 140162, MedGen C0027672, MeSH D009386, MONDO:0015356.

Allele frequency attached by ClinVar (database versions not stated): gnomAD exomes below 0.00001; ExAC 0.00001.

Submissions (3):

Myriad Genetics, Inc.
Classification: Benign for Oligodontia-cancer predisposition syndrome. Last evaluated: 2024-07-01. Review status: criteria provided, single submitter. Criteria: Myriad Autosomal Dominant, Autosomal Recessive and X-Linked Classification Criteria (2023). Collection method: clinical testing. Allele origin: unknown.
Comment: This variant is considered benign. This variant is a silent/synonymous amino acid change and it is not expected to impact splicing.

Labcorp Genetics (formerly Invitae), Labcorp
Classification: Likely benign for Oligodontia-cancer predisposition syndrome. Last evaluated: 2024-04-06. Review status: criteria provided, single submitter. Criteria: Invitae Variant Classification Sherloc (09022015). Collection method: clinical testing. Allele origin: germline.

Ambry Genetics
Classification: Likely benign for Hereditary cancer-predisposing syndrome. Last evaluated: 2019-11-17. Review status: criteria provided, single submitter. Criteria: Ambry Variant Classification Scheme 2023. Collection method: clinical testing. Allele origin: germline.

NM_004655.4(AXIN2):c.1098A>G (p.Glu366=)

Gene: AXIN2 (axin 2; minus strand). Cytogenetic location: 17q24.1.
Variant type: single nucleotide variant.
Coding change: c.1098A>G on transcript NM_004655.4 (MANE Select); coding-DNA position 1098, A replaced by G.
Protein change: p.Glu366=; no amino-acid change (glutamic acid 366 retained).
Molecular consequence: synonymous variant.
Genome position (GRCh38, 1-based): chr17:65,538,305, T>C on the plus strand (A>G on the coding strand, the complement: AXIN2 is on the minus strand). VCF-style: chr17-65538305-T-C. GRCh37 (hg19) VCF-style: chr17-63534423-T-C.
Other names: c.1098A>G, p.Glu366= (NM_001363813.1).
Identifiers: ClinVar variation 1145655 (VCV001145655.12), dbSNP rs761105129, ClinGen allele CA8718858.